The following is an entry in ClinVar:

NC_012920.1(MT-ND2):m.4680C>A

Gene: MT-ND2 (mitochondrially encoded NADH dehydrogenase 2; plus strand).
Variant type: single nucleotide variant.
Genome position: chrM-4680-C-A.
Identifiers: ClinVar variation 692478 (VCV000692478.1), dbSNP rs1603219554, ClinGen allele CA414775286.

ClinVar aggregate classification (germline): Uncertain significance (1 of 4 stars; one submission).

Conditions:
Leigh syndrome (NULS). Also called: Leigh's necrotizing encephalopathy; Leigh's disease; Leigh Syndrome (mtDNA deletion); Leigh Disease; Subacute necrotizing encephalopathy; Necrotizing encephalopathy infantile subacute of Leigh. Identifiers: Orphanet 506, MedGen C2931891, MONDO:0009723, OMIM 256000.

Submission:

Wong Mito Lab, Molecular and Human Genetics, Baylor College of Medicine
Classification: Uncertain significance for Leigh syndrome. Last evaluated: 2019-10-17. Review status: criteria provided, single submitter. Criteria: Modified ACMG Guidelines (Unpublished). Collection method: clinical testing. Allele origin: germline.
Comment: The NC_012920.1:m.4680C>A (YP_003024027.1:p.Leu71Met) variant in MTND2 gene is interpretated to be a Uncertain Significance variant based on the modified ACMG guidelines (unpublished). This variant meets the following evidence codes: BP4